The following is an entry in ClinVar:

NM_000051.4(ATM):c.2042C>G (p.Ser681Cys)

Gene: ATM (ATM serine/threonine kinase; plus strand). Cytogenetic location: 11q22.3.
Variant type: single nucleotide variant.
Coding change: c.2042C>G on transcript NM_000051.4 (MANE Select); coding-DNA position 2042, C replaced by G.
Protein change: p.Ser681Cys; replaces serine 681 with cysteine.
Molecular consequence: missense variant.
Genome position (GRCh38, 1-based): chr11:108,253,957, C>G. VCF-style: chr11-108253957-C-G. GRCh37 (hg19) VCF-style: chr11-108124684-C-G.
Other names: c.2042C>G, p.Ser681Cys (NM_001351834.2); short protein forms S681C.
Identifiers: ClinVar variation 407531 (VCV000407531.11), dbSNP rs1060501585, ClinGen allele CA16613355.
Genomic context (GRCh38, chr11:108,253,957, plus strand): 5'-ACTTTTTAACCATTGTGAGAGAATGTGGTATAGAAAAGCACCAGTCCAGTATTGGCTTCT[C>G]TGTCCACCAGAATCTCAAGGAATCACTGGATCGCTGTCTTCTGGGATTATCAGAACAGCT-3'
Protein context (NP_000042.3, residues 671-691): IEKHQSSIGF[Ser681Cys]VHQNLKESLD

ClinVar aggregate classification (germline): Uncertain significance. Review status: criteria provided, multiple submitters, no conflicts (2 of 4 stars). 4 submissions from 4 submitters: Uncertain significance (4). Last evaluated 2025-06-09.

Conditions:
Hereditary cancer-predisposing syndrome. Also called: Hereditary neoplastic syndrome; Neoplastic Syndromes, Hereditary; Tumor predisposition; Hereditary Cancer Syndrome. Identifiers: Orphanet 140162, MedGen C0027672, MeSH D009386, MONDO:0015356.
Familial cancer of breast. Also called: Hereditary breast cancer; hereditary breast carcinoma; BREAST CANCER, FAMILIAL. Identifiers: Orphanet 227535, MedGen C0346153, MONDO:0016419, OMIM 114480. Disease mechanism: loss of function.
Ataxia-telangiectasia syndrome (AT). Also called: Ataxia telangiectasia (A-T); LOUIS-BAR SYNDROME; Cerebello-oculocutaneous telangiectasia; Immunodeficiency with ataxia telangiectasia; Ataxia-telangiectasia, complementation group D; AT, COMPLEMENTATION GROUP C. Identifiers: Orphanet 100, MedGen C0004135, MONDO:0008840, OMIM 208900.

gnomAD v4.1: 1 of 1,614,110 alleles (0.000062%); highest among the groups gnomAD compares: South Asian, 0.0011%; no homozygotes.

Submissions (4):

Ambry Genetics
Classification: Uncertain significance for Hereditary cancer-predisposing syndrome. Last evaluated: 2025-06-09. Review status: criteria provided, single submitter. Criteria: Ambry Variant Classification Scheme 2023. Collection method: clinical testing. Allele origin: germline.
Comment: The p.S681C variant (also known as c.2042C>G), located in coding exon 12 of the ATM gene, results from a C to G substitution at nucleotide position 2042. The serine at codon 681 is replaced by cysteine, an amino acid with dissimilar properties. This amino acid position is conserved. In addition, this alteration is predicted to be tolerated by in silico analysis. Based on the available evidence, the clinical significance of this variant remains unclear.

Labcorp Genetics (formerly Invitae), Labcorp
Classification: Uncertain significance for Ataxia-telangiectasia syndrome. Last evaluated: 2024-10-10. Review status: criteria provided, single submitter. Criteria: Invitae Variant Classification Sherloc (09022015). Collection method: clinical testing. Allele origin: germline.
Comment: This sequence change replaces serine, which is neutral and polar, with cysteine, which is neutral and slightly polar, at codon 681 of the ATM protein (p.Ser681Cys). This variant is present in population databases (no rsID available, gnomAD 0.003%). This variant has not been reported in the literature in individuals affected with ATM-related conditions. ClinVar contains an entry for this variant (Variation ID: 407531). Invitae Evidence Modeling of protein sequence and biophysical properties (such as structural, functional, and spatial information, amino acid conservation, physicochemical variation, residue mobility, and thermodynamic stability) indicates that this missense variant is not expected to disrupt ATM protein function with a negative predictive value of 95%. In summary, the available evidence is currently insufficient to determine the role of this variant in disease. Therefore, it has been classified as a Variant of Uncertain Significance.

Baylor Genetics
Classification: Uncertain significance for Familial cancer of breast. Last evaluated: 2023-08-31. Review status: criteria provided, single submitter. Criteria: ACMG Guidelines, 2015. Collection method: clinical testing. Allele origin: unknown.

Color Diagnostics, LLC DBA Color Health
Classification: Uncertain significance for Hereditary cancer-predisposing syndrome. Last evaluated: 2021-03-01. Review status: criteria provided, single submitter. Criteria: ACMG Guidelines, 2015. Collection method: clinical testing. Allele origin: germline.
Comment: This missense variant replaces serine with cysteine at codon 681 of the ATM protein. Computational prediction suggests that this variant may not impact protein structure and function (internally defined REVEL score threshold <= 0.5, PMID: 27666373). To our knowledge, functional studies have not been reported for this variant. This variant has not been reported in individuals affected with hereditary cancer in the literature. This variant has not been identified in the general population by the Genome Aggregation Database (gnomAD). The available evidence is insufficient to determine the role of this variant in disease conclusively. Therefore, this variant is classified as a Variant of Uncertain Significance.